The following is an entry in ClinVar:

NM_001099289.3(SH3RF3):c.1967C>G (p.Pro656Arg)

Genes: RANBP2 (RAN binding protein 2; plus strand), SH3RF3 (SH3 domain containing ring finger 3; plus strand). Cytogenetic location: 2q13.
Variant type: single nucleotide variant.
Coding change: c.1967C>G on transcript NM_001099289.3 (MANE Select); coding-DNA position 1967, C replaced by G.
Protein change: p.Pro656Arg; replaces proline 656 with arginine.
Molecular consequence: missense variant.
Genome position (GRCh38, 1-based): chr2:109,449,308, C>G. VCF-style: chr2-109449308-C-G. GRCh37 (hg19) VCF-style: chr2-110065764-C-G.
Other names: short protein forms P656R.
Identifiers: ClinVar variation 3953837 (VCV003953837.1).

ClinVar aggregate classification (germline): Uncertain significance (1 of 4 stars; one submission).

gnomAD v4.1: 2 of 1,608,268 alleles (0.00012%); no homozygotes.

Submission:

Ambry Genetics
Classification: Uncertain significance. Last evaluated: 2025-04-16. Review status: criteria provided, single submitter. Criteria: Ambry Variant Classification Scheme 2023. Collection method: clinical testing. Allele origin: germline.
Comment: The c.1967C>G (p.P656R) alteration is located in exon (coding exon ) of the SH3RF3 gene. This alteration results from a C to G substitution at nucleotide position 1967, causing the proline (P) at amino acid position 656 to be replaced by an arginine (R). Based on insufficient or conflicting evidence, the clinical significance of this alteration remains unclear.